The following is an entry in ClinVar:

ClinVar aggregate classification (germline): Uncertain significance. Review status: criteria provided, multiple submitters, no conflicts (2 of 4 stars). 3 submissions from 3 submitters: Uncertain significance (3). Last evaluated 2025-05-13.

Conditions:
Inborn genetic diseases. Identifiers: MedGen C0950123, MeSH D030342.

Allele frequency attached by ClinVar (database versions not stated): gnomAD 0.00017; 1000 Genomes Project 0.00020; TOPMed 0.00024; ExAC 0.00007; ESP Exome Variant Server 0.00015; gnomAD exomes 0.00015; 1000 Genomes Project 30x 0.00016.
gnomAD v4.1: 269 of 1,614,166 alleles (0.017%); highest among the groups gnomAD compares: Admixed American, 0.03%; 1 homozygote.

Submissions (4):

Ambry Genetics
Classification: Uncertain significance for Inborn genetic diseases. Last evaluated: 2025-05-13. Review status: criteria provided, single submitter. Criteria: Ambry Variant Classification Scheme 2023. Collection method: clinical testing. Allele origin: germline.

Labcorp Genetics (formerly Invitae), Labcorp
Classification: Uncertain significance. Last evaluated: 2024-12-06. Review status: criteria provided, single submitter. Criteria: Invitae Variant Classification Sherloc (09022015). Collection method: clinical testing. Allele origin: germline.
Comment: This sequence change replaces tyrosine, which is neutral and polar, with phenylalanine, which is neutral and non-polar, at codon 315 of the DNAJC21 protein (p.Tyr315Phe). This variant is present in population databases (rs146260542, gnomAD 0.1%). This variant has not been reported in the literature in individuals affected with DNAJC21-related conditions. ClinVar contains an entry for this variant (Variation ID: 1302511). An algorithm developed to predict the effect of missense changes on protein structure and function (PolyPhen-2) suggests that this variant is likely to be disruptive. In summary, the available evidence is currently insufficient to determine the role of this variant in disease. Therefore, it has been classified as a Variant of Uncertain Significance.

GeneDx
Classification: Uncertain significance. Last evaluated: 2023-11-27. Review status: criteria provided, single submitter. Criteria: GeneDx Variant Classification Process June 2021. Collection method: clinical testing. Allele origin: germline. Affected: yes.
Comment: In silico analysis supports that this missense variant has a deleterious effect on protein structure/function; Has not been previously published as pathogenic or benign to our knowledge

Dr. Peter K. Rogan Lab, Western University
No classification provided (evidence only). Condition: Thyroid cancer, nonmedullary, 1. Review status: no classification provided. Collection method: in vitro. Allele origin: not applicable. Functional consequence: skipped exon. Not counted in ClinVar's aggregate classification.

NM_001012339.3(DNAJC21):c.944A>T (p.Tyr315Phe)

Gene: DNAJC21 (DnaJ heat shock protein family (Hsp40) member C21; plus strand). Cytogenetic location: 5p13.2.
Variant type: single nucleotide variant.
Coding change: c.944A>T on transcript NM_001012339.3 (MANE Select); coding-DNA position 944, A replaced by T.
Protein change: p.Tyr315Phe; replaces tyrosine 315 with phenylalanine.
Molecular consequence: missense variant.
Genome position (GRCh38, 1-based): chr5:34,941,144, A>T. VCF-style: chr5-34941144-A-T. GRCh37 (hg19) VCF-style: chr5-34941249-A-T.
Other names: c.944A>T (NM_194283.3); c.944A>T, p.Tyr315Phe (NM_001348420.2, NM_194283.4); short protein forms Y315F.
Identifiers: ClinVar variation 1302511 (VCV001302511.9), dbSNP rs146260542, ClinGen allele CA3228635.